The following is an entry in ClinVar:

NC_000007.13:g.(?_152373116)_(152373165_?)del

Gene: XRCC2 (X-ray repair cross complementing 2; minus strand). Cytogenetic location: 7q36.1.
Variant type: Deletion.
Identifiers: ClinVar variation 2425352 (VCV002425352.3).

ClinVar aggregate classification (germline): Uncertain significance (1 of 4 stars; one submission).

Submission:

Labcorp Genetics (formerly Invitae), Labcorp
Classification: Uncertain significance. Last evaluated: 2022-07-11. Review status: criteria provided, single submitter. Criteria: Invitae Variant Classification Sherloc (09022015). Collection method: clinical testing. Allele origin: germline.
Comment: This variant is a gross deletion of the genomic region encompassing exon(s) 1 of the XRCC2 gene, which includes the initiator codon. This deletion extends beyond the assayed region for this gene and therefore may encompass additional genes. It is expected to result in an absent or disrupted protein product. However, the current clinical and genetic evidence is not sufficient to establish whether loss-of-function variants in XRCC2 cause disease. This variant has not been reported in the literature in individuals affected with XRCC2-related conditions. Experimental studies and prediction algorithms are not available or were not evaluated, and the functional significance of this variant is currently unknown. In summary, the available evidence is currently insufficient to determine the role of this variant in disease. Therefore, it has been classified as a Variant of Uncertain Significance.